The following is an entry in ClinVar:

NM_000075.4(CDK4):c.824T>C (p.Met275Thr)

Genes: CDK4 (cyclin dependent kinase 4; minus strand), TSPAN31 (tetraspanin 31; plus strand). Cytogenetic location: 12q14.1.
Variant type: single nucleotide variant.
Coding change: c.824T>C on transcript NM_000075.4 (MANE Select); coding-DNA position 824, T replaced by C.
Protein change: p.Met275Thr; replaces methionine 275 with threonine.
Molecular consequence: missense variant. On other transcripts: 3 prime UTR variant (3).
Genome position (GRCh38, 1-based): chr12:57,748,613, A>G on the plus strand (T>C on the coding strand, the complement: CDK4 is on the minus strand). VCF-style: chr12-57748613-A-G. GRCh37 (hg19) VCF-style: chr12-58142396-A-G.
Other names: c.*1323A>G (NM_001330168.2, NM_001330169.2, NM_005981.5); short protein forms M275T.
Identifiers: ClinVar variation 1762626 (VCV001762626.7), dbSNP rs2540893198, ClinGen allele CA385542642.
Genomic context (GRCh38, chr12:57,748,613, plus strand): 5'-AGATAAGAGTGCTGCAGAGCTCGAAAGGCAGAGATTCGCTTGTGTGGGTTAAAAGTCAGC[A>G]TTTCCTGAGGGGAGAGGCAAAGGTCAGAAAACCATGAAGAAAACAGACTTCTGCCCACCC-3'
Protein context (NP_000066.1, residues 265-285): EESGAQLLLE[Met275Thr]LTFNPHKRIS

ClinVar aggregate classification (germline): Uncertain significance. Review status: criteria provided, multiple submitters, no conflicts (2 of 4 stars). 2 submissions from 2 submitters: Uncertain significance (2). Last evaluated 2022-07-08.

Conditions:
Hereditary cancer-predisposing syndrome. Also called: Neoplastic Syndromes, Hereditary; Tumor predisposition; Hereditary Cancer Syndrome; Hereditary neoplastic syndrome. Identifiers: Orphanet 140162, MedGen C0027672, MeSH D009386, MONDO:0015356.
Familial melanoma. Also called: Hereditary melanoma; Hereditary cutaneous melanoma. Identifiers: Orphanet 618, MedGen C1512419, MONDO:0018961.

Allele frequency attached by ClinVar (database versions not stated): gnomAD exomes below 0.00001.
gnomAD v4.1: 1 of 1,612,326 alleles (0.000062%); highest among the groups gnomAD compares: Middle Eastern, 0.017%; no homozygotes.

Submissions (2):

Ambry Genetics
Classification: Uncertain significance for Hereditary cancer-predisposing syndrome. Last evaluated: 2022-07-08. Review status: criteria provided, single submitter. Criteria: Ambry Variant Classification Scheme 2023. Collection method: clinical testing. Allele origin: germline.
Comment: The p.M275T variant (also known as c.824T>C), located in coding exon 7 of the CDK4 gene, results from a T to C substitution at nucleotide position 824. The methionine at codon 275 is replaced by threonine, an amino acid with similar properties. This amino acid position is highly conserved in available vertebrate species. In addition, this alteration is predicted to be deleterious by in silico analysis. Since supporting evidence is limited at this time, the clinical significance of this alteration remains unclear.

Labcorp Genetics (formerly Invitae), Labcorp
Classification: Uncertain significance for Familial melanoma. Last evaluated: 2022-03-01. Review status: criteria provided, single submitter. Criteria: Invitae Variant Classification Sherloc (09022015). Collection method: clinical testing. Allele origin: germline.
Comment: This variant is not present in population databases (gnomAD no frequency). This sequence change replaces methionine, which is neutral and non-polar, with threonine, which is neutral and polar, at codon 275 of the CDK4 protein (p.Met275Thr). In summary, the available evidence is currently insufficient to determine the role of this variant in disease. Therefore, it has been classified as a Variant of Uncertain Significance. Advanced modeling of protein sequence and biophysical properties (such as structural, functional, and spatial information, amino acid conservation, physicochemical variation, residue mobility, and thermodynamic stability) performed at Invitae indicates that this missense variant is expected to disrupt CDK4 protein function. This variant has not been reported in the literature in individuals affected with CDK4-related conditions.